The following is an entry in ClinVar:

NM_153614.4(DNAJB13):c.506A>G (p.Asp169Gly)

Gene: DNAJB13 (DnaJ heat shock protein family (Hsp40) member B13; plus strand). Cytogenetic location: 11q13.4.
Variant type: single nucleotide variant.
Coding change: c.506A>G on transcript NM_153614.4 (MANE Select); coding-DNA position 506, A replaced by G.
Protein change: p.Asp169Gly; replaces aspartic acid 169 with glycine.
Molecular consequence: missense variant.
Genome position (GRCh38, 1-based): chr11:73,966,151, A>G. VCF-style: chr11-73966151-A-G. GRCh37 (hg19) VCF-style: chr11-73677196-A-G.
Other names: c.332A>G, p.Asp111Gly (NM_001377263.1); c.506A>G (NM_153614.2); short protein forms D111G, D169G.
Identifiers: ClinVar variation 1429253 (VCV001429253.7), dbSNP rs769436700, ClinGen allele CA6180791.

ClinVar aggregate classification (germline): Uncertain significance. Review status: criteria provided, multiple submitters, no conflicts (2 of 4 stars). 2 submissions from 2 submitters: Uncertain significance (2). Last evaluated 2025-02-07.

Allele frequency attached by ClinVar (database versions not stated): TOPMed below 0.00001; gnomAD 0.00001; gnomAD exomes 0.00001 and 0.00002; ExAC 0.00002.

Submissions (2):

Ambry Genetics
Classification: Uncertain significance. Last evaluated: 2025-02-07. Review status: criteria provided, single submitter. Criteria: Ambry Variant Classification Scheme 2023. Collection method: clinical testing. Allele origin: germline.

Labcorp Genetics (formerly Invitae), Labcorp
Classification: Uncertain significance. Last evaluated: 2021-08-12. Review status: criteria provided, single submitter. Criteria: Invitae Variant Classification Sherloc (09022015). Collection method: clinical testing. Allele origin: germline.
Comment: This sequence change replaces aspartic acid with glycine at codon 169 of the DNAJB13 protein (p.Asp169Gly). The aspartic acid residue is highly conserved and there is a moderate physicochemical difference between aspartic acid and glycine. In summary, the available evidence is currently insufficient to determine the role of this variant in disease. Therefore, it has been classified as a Variant of Uncertain Significance. Algorithms developed to predict the effect of sequence changes on RNA splicing suggest that this variant may create or strengthen a splice site. Algorithms developed to predict the effect of missense changes on protein structure and function are either unavailable or do not agree on the potential impact of this missense change (SIFT: "Deleterious"; PolyPhen-2: "Possibly Damaging"; Align-GVGD: "Class C0"). This variant has not been reported in the literature in individuals affected with DNAJB13-related conditions. This variant is present in population databases (rs769436700, ExAC 0.02%).